The following is an entry in ClinVar:

NM_024675.4(PALB2):c.979T>C (p.Cys327Arg)

Gene: PALB2 (partner and localizer of BRCA2; minus strand). Cytogenetic location: 16p12.2.
Variant type: single nucleotide variant.
Coding change: c.979T>C on transcript NM_024675.4 (MANE Select); coding-DNA position 979, T replaced by C.
Protein change: p.Cys327Arg; replaces cysteine 327 with arginine.
Molecular consequence: missense variant.
Genome position (GRCh38, 1-based): chr16:23,635,567, A>G on the plus strand (T>C on the coding strand, the complement: PALB2 is on the minus strand). VCF-style: chr16-23635567-A-G. GRCh37 (hg19) VCF-style: chr16-23646888-A-G.
Other names: c.919T>C, p.Cys307Arg (NM_001407296.1); c.979T>C, p.Cys327Arg (NM_001407297.1, NM_001407298.1, NM_001407299.1 and 3 more transcripts); c.94T>C, p.Cys32Arg (NM_001407304.1, NM_001407305.1, NM_001407306.1 and 5 more transcripts); short protein forms C307R, C32R, C327R.
Identifiers: ClinVar variation 1768241 (VCV001768241.6), dbSNP rs2142429442, ClinGen allele CA395134788.

ClinVar aggregate classification (germline): Uncertain significance. Review status: criteria provided, multiple submitters, no conflicts (2 of 4 stars). 2 submissions from 2 submitters: Uncertain significance (2). Last evaluated 2025-01-17.

Conditions:
Hereditary cancer-predisposing syndrome. Also called: Hereditary Cancer Syndrome; Hereditary neoplastic syndrome; Neoplastic Syndromes, Hereditary; Tumor predisposition. Identifiers: Orphanet 140162, MedGen C0027672, MeSH D009386, MONDO:0015356.
Familial cancer of breast. Also called: BREAST CANCER, FAMILIAL; hereditary breast carcinoma; Hereditary breast cancer. Identifiers: Orphanet 227535, MedGen C0346153, MONDO:0016419, OMIM 114480. Disease mechanism: loss of function.

Allele frequency attached by ClinVar (database versions not stated): gnomAD exomes below 0.00001.
gnomAD v4.1: 2 of 1,613,032 alleles (0.00012%); highest among the groups gnomAD compares: South Asian, 0.0011%; no homozygotes.

Submissions (2):

Ambry Genetics
Classification: Uncertain significance for Hereditary cancer-predisposing syndrome. Last evaluated: 2025-01-17. Review status: criteria provided, single submitter. Criteria: Ambry Variant Classification Scheme 2023. Collection method: clinical testing. Allele origin: germline.
Comment: The p.C327R variant (also known as c.979T>C), located in coding exon 4 of the PALB2 gene, results from a T to C substitution at nucleotide position 979. The cysteine at codon 327 is replaced by arginine, an amino acid with highly dissimilar properties. This alteration was reported in 0/13087 breast cancer cases and 1/5488 control individuals in a UK population (Decker B et al. J Med Genet, 2017 11;54:732-741). This amino acid position is not well conserved in available vertebrate species. In addition, this alteration is predicted to be tolerated by in silico analysis. Since supporting evidence is limited at this time, the clinical significance of this alteration remains unclear.

Labcorp Genetics (formerly Invitae), Labcorp
Classification: Uncertain significance for Familial cancer of breast. Last evaluated: 2023-02-24. Review status: criteria provided, single submitter. Criteria: Invitae Variant Classification Sherloc (09022015). Collection method: clinical testing. Allele origin: germline.
Comment: In summary, the available evidence is currently insufficient to determine the role of this variant in disease. Therefore, it has been classified as a Variant of Uncertain Significance. Advanced modeling of protein sequence and biophysical properties (such as structural, functional, and spatial information, amino acid conservation, physicochemical variation, residue mobility, and thermodynamic stability) performed at Invitae indicates that this missense variant is not expected to disrupt PALB2 protein function. ClinVar contains an entry for this variant (Variation ID: 1768241). This variant has not been reported in the literature in individuals affected with PALB2-related conditions. This variant is not present in population databases (gnomAD no frequency). This sequence change replaces cysteine, which is neutral and slightly polar, with arginine, which is basic and polar, at codon 327 of the PALB2 protein (p.Cys327Arg).

Literature cited by the submitters: PubMed 28779002 (cited by Ambry Genetics).